The following is an entry in ClinVar:

ClinVar aggregate classification (germline): Pathogenic (1 of 4 stars; one submission).

Submission:

Labcorp Genetics (formerly Invitae), Labcorp
Classification: Pathogenic. Last evaluated: 2022-11-11. Review status: criteria provided, single submitter. Criteria: Invitae Variant Classification Sherloc (09022015). Collection method: clinical testing. Allele origin: germline.
Comment: For these reasons, this variant has been classified as Pathogenic. This variant has not been reported in the literature in individuals affected with CHRNA7-related conditions. This variant is a gross deletion of the genomic region encompassing exon(s) 1-5 of the CHRNA7 gene, which includes the initiator codon. This deletion extends beyond the assayed region for this gene and therefore may encompass additional genes. It is expected to result in an absent or disrupted protein product. Loss-of-function variants in CHRNA7 are known to be pathogenic (PMID: 22031302, 22775350, 26275793, 28503599).

Literature cited by the submitters: PubMed 22031302; PubMed 22775350; PubMed 26275793; PubMed 28503599.

NC_000015.9:g.(?_30906349)_(32446187_?)del

Genes: ARHGAP11B (Rho GTPase activating protein 11B), CHRNA7 (cholinergic receptor nicotinic alpha 7 subunit), FAN1 (FANCD2 and FANCI associated nuclease 1; plus strand), GOLGA8H (golgin A8 family member H), KLF13 (KLF transcription factor 13; plus strand) and 4 more. Cytogenetic location: 15q13.2-13.3.
Variant type: Deletion.
Identifiers: ClinVar variation 2423388 (VCV002423388.5).